The following is an entry in ClinVar:

ClinVar aggregate classification (germline): Uncertain significance (1 of 4 stars; one submission).

Conditions:
Frontotemporal dementia and/or amyotrophic lateral sclerosis 4. Also called: FTDALS4. Identifiers: Orphanet 275872, MedGen C4225325, MONDO:0014641, OMIM 616439.

gnomAD v4.1: 1 of 1,263,624 alleles (0.000079%); highest among the groups gnomAD compares: African/African-American, 0.0015%; no homozygotes.

Submission:

Labcorp Genetics (formerly Invitae), Labcorp
Classification: Uncertain significance for Frontotemporal dementia and/or amyotrophic lateral sclerosis 4. Last evaluated: 2024-11-21. Review status: criteria provided, single submitter. Criteria: Invitae Variant Classification Sherloc (09022015). Collection method: clinical testing. Allele origin: germline.
Comment: This sequence change replaces lysine, which is basic and polar, with threonine, which is neutral and polar, at codon 584 of the TBK1 protein (p.Lys584Thr). This variant is not present in population databases (gnomAD no frequency). This variant has not been reported in the literature in individuals affected with TBK1-related conditions. Invitae Evidence Modeling of protein sequence and biophysical properties (such as structural, functional, and spatial information, amino acid conservation, physicochemical variation, residue mobility, and thermodynamic stability) indicates that this missense variant is not expected to disrupt TBK1 protein function with a negative predictive value of 95%. In summary, the available evidence is currently insufficient to determine the role of this variant in disease. Therefore, it has been classified as a Variant of Uncertain Significance.

NM_013254.4(TBK1):c.1751A>C (p.Lys584Thr)

Gene: TBK1 (TANK binding kinase 1; plus strand). Cytogenetic location: 12q14.2.
Variant type: single nucleotide variant.
Coding change: c.1751A>C on transcript NM_013254.4 (MANE Select); coding-DNA position 1751, A replaced by C.
Protein change: p.Lys584Thr; replaces lysine 584 with threonine.
Molecular consequence: missense variant.
Genome position (GRCh38, 1-based): chr12:64,496,397, A>C. VCF-style: chr12-64496397-A-C. GRCh37 (hg19) VCF-style: chr12-64890177-A-C.
Other names: short protein forms K584T.
Identifiers: ClinVar variation 3668525 (VCV003668525.2).